The following is an entry in ClinVar:

NM_015506.3(MMACHC):c.*5C>G

Gene: MMACHC (metabolism of cobalamin associated C; plus strand). Cytogenetic location: 1p34.1.
Variant type: single nucleotide variant.
Coding change: c.*5C>G on transcript NM_015506.3 (MANE Select); 5 bases downstream of the stop codon, C replaced by G.
Molecular consequence: 3 prime UTR variant.
Genome position (GRCh38, 1-based): chr1:45,509,220, C>G. VCF-style: chr1-45509220-C-G. GRCh37 (hg19) VCF-style: chr1-45974892-C-G.
Other names: c.*5C>G (NM_001330540.2).
Identifiers: ClinVar variation 297490 (VCV000297490.8), dbSNP rs557994288, ClinGen allele CA827882.

ClinVar aggregate classification (germline): Conflicting classifications of pathogenicity. Review status: criteria provided, conflicting classifications (1 of 4 stars). 4 submissions from 4 submitters: Uncertain significance (2); Likely benign (1). 1 of the submissions does not count toward it. Last evaluated 2025-09-23.

Conditions:
Disorders of Intracellular Cobalamin Metabolism. Identifiers: MedGen CN043592.
Cobalamin C disease. Also called: Methylmalonic aciduria with homocystinuria cblC type; methylmalonic aciduria and homocystinuria type cblC; Methylmalonic aciduria and homocystinuria, Vitamin B12-responsive; Vitamin B12 metabolic defect with combined deficiency of methylmalonyl-CoA mutase and homocysteine:methyltetrahydrofolate methyltransferase; Cobalamin-C methylmalonic acidemia and homocystinuria; Methylmalonic acidemia and homocystinuria cblC type. Identifiers: Orphanet 26, Orphanet 79282, MedGen C1848561, MONDO:0010184, OMIM 277400.

Allele frequency attached by ClinVar (database versions not stated): TOPMed 0.00003.
gnomAD v4.1: 21 of 1,613,898 alleles (0.0013%); highest among the groups gnomAD compares: Non-Finnish European, 0.0018%; no homozygotes.

Submissions (4):

Mayo Clinic Laboratories, Mayo Clinic
Classification: Likely benign. Last evaluated: 2025-09-23. Review status: criteria provided, single submitter. Criteria: ACMG Guidelines, 2015. Collection method: clinical testing. Allele origin: germline. Observed: 1 variant allele.
Comment: BP4, BP7

Genome-Nilou Lab
Classification: Uncertain significance for Cobalamin C disease. Last evaluated: 2023-04-11. Review status: criteria provided, single submitter. Criteria: ACMG Guidelines, 2015. Collection method: clinical testing. Allele origin: germline. Affected: no.

Illumina Laboratory Services, Illumina
Classification: Uncertain significance for Disorders of Intracellular Cobalamin Metabolism. Last evaluated: 2018-01-13. Review status: criteria provided, single submitter. Criteria: ICSL Variant Classification Criteria 13 December 2019. Collection method: clinical testing. Allele origin: germline.

Counsyl
Classification: Uncertain significance for Cobalamin C disease. Last evaluated: 2017-08-08. Review status: no assertion criteria provided. Collection method: clinical testing. Allele origin: unknown. Not counted in ClinVar's aggregate classification.